The following is an entry in ClinVar:

NM_001399.5(EDA):c.11del (p.Pro4fs)

Gene: EDA (ectodysplasin A; plus strand). Cytogenetic location: Xq13.1.
Variant type: Deletion.
Coding change: c.11del on transcript NM_001399.5 (MANE Select); coding-DNA position 11, one base deleted (C; older notation c.11delC).
Protein change: p.Pro4fs; shifts the reading frame from proline 4.
Molecular consequence: frameshift variant.
Genome position (GRCh38, 1-based): chrX:69,616,319, C deleted; the last of 3 consecutive C bases (chrX:69,616,317-69,616,319); deleting any one gives the same sequence. VCF-style (leftmost placement, unchanged base first): chrX-69616316-AC-A. GRCh37 (hg19) VCF-style: chrX-68836160-AC-A.
Other names: c.11del, p.Pro4fs (NM_001005609.2, NM_001005610.4, NM_001005612.3 and 1 more transcripts); short protein forms P4fs.
Identifiers: ClinVar variation 817272 (VCV000817272.2), dbSNP rs1602221405, ClinGen allele CA915950737.
Genomic context (GRCh38, chrX:69,616,316, plus strand): 5'-GAGGCAGACGCAGCGGCTCCCGGGCCTCAAGAGAGTGGGTGTCTCCGGAGGCCATGGGCT[AC>A]CCGGAGGTGGAGCGCAGGGAACTCCTGCCTGCAGCAGCGCCGCGGGAGCGAGGGAGCCAG-3'

ClinVar aggregate classification (germline): Pathogenic. Review status: criteria provided, multiple submitters, no conflicts (2 of 4 stars). 2 submissions from 2 submitters: Pathogenic (2). Last evaluated 2022-05-22.

Conditions:
Hypohidrotic X-linked ectodermal dysplasia (XHED). Also called: Christ-Siemans-Touraine syndrome; ECTODERMAL DYSPLASIA 1; ECTODERMAL DYSPLASIA, HYPOHIDROTIC, 1; CST SYNDROME; Anhidrotic ectodermal dysplasia X-linked; Christ Siemens Touraine syndrome. Identifiers: Orphanet 181, Orphanet 238468, MedGen C0162359, MONDO:0010585, OMIM 305100.

Submissions (2):

3billion
Classification: Pathogenic for Hypohidrotic X-linked ectodermal dysplasia. Last evaluated: 2022-05-22. Review status: criteria provided, single submitter. Criteria: ACMG Guidelines, 2015. Collection method: clinical testing. Allele origin: germline. Affected: yes. Observed: 1 hemizygote.
Comment: The variant is not observed in the gnomAD v2.1.1 dataset. Frameshift: predicted to result in a loss or disruption of normal protein function through nonsense-mediated decay (NMD) or protein truncation. Multiple pathogenic variants are reported downstream of the variant. The variant has been reported to be disease-causing (ClinVar ID: VCV000817272). Therefore, this variant is classified as pathogenic according to the recommendation of ACMG/AMP guideline.

GeneDx
Classification: Pathogenic. Last evaluated: 2018-10-01. Review status: criteria provided, single submitter. Criteria: GeneDx Variant Classification (06012015). Collection method: clinical testing. Allele origin: germline. Affected: yes.
Comment: The c.11delC variant in the EDA gene has not been reported previously as a pathogenic variant nor as a benign variant, to our knowledge. The c.11delC variant causes a frameshift starting with codon Proline 4, changes this amino acid to an Arginine residue, and creates a premature Stop codon at position 53 of the new reading frame, denoted p.Pro4ArgfsX53. This variant is predicted to cause loss of normal protein function either through protein truncation or nonsense-mediated mRNA decay. The c.11delC variant is not observed in large population cohorts (Lek et al., 2016). We interpret c.11delC as a pathogenic variant.